The following is an entry in ClinVar:

NM_007103.4(NDUFV1):c.118C>G (p.Arg40Gly)

Gene: NDUFV1 (NADH:ubiquinone oxidoreductase core subunit V1; plus strand). Cytogenetic location: 11q13.2.
Variant type: single nucleotide variant.
Coding change: c.118C>G on transcript NM_007103.4 (MANE Select); coding-DNA position 118, C replaced by G.
Protein change: p.Arg40Gly; replaces arginine 40 with glycine.
Molecular consequence: missense variant.
Genome position (GRCh38, 1-based): chr11:67,608,441, C>G. VCF-style: chr11-67608441-C-G. GRCh37 (hg19) VCF-style: chr11-67375912-C-G.
Other names: c.91C>G, p.Arg31Gly (NM_001166102.2); short protein forms R40G, R31G.
Identifiers: ClinVar variation 2817980 (VCV002817980.3), dbSNP rs1427605081, ClinGen allele CA381532589.

ClinVar aggregate classification (germline): Likely pathogenic (1 of 4 stars; one submission).

Submission:

Labcorp Genetics (formerly Invitae), Labcorp
Classification: Likely pathogenic. Last evaluated: 2023-09-08. Review status: criteria provided, single submitter. Criteria: Invitae Variant Classification Sherloc (09022015). Collection method: clinical testing. Allele origin: germline.
Comment: This sequence change replaces arginine, which is basic and polar, with glycine, which is neutral and non-polar, at codon 40 of the NDUFV1 protein (p.Arg40Gly). In summary, the currently available evidence indicates that the variant is pathogenic, but additional data are needed to prove that conclusively. Therefore, this variant has been classified as Likely Pathogenic. This variant disrupts the p.Arg40 amino acid residue in NDUFV1. Other variant(s) that disrupt this residue have been determined to be pathogenic (PMID: 35482246). This suggests that this residue is clinically significant, and that variants that disrupt this residue are likely to be disease-causing. Advanced modeling of protein sequence and biophysical properties (such as structural, functional, and spatial information, amino acid conservation, physicochemical variation, residue mobility, and thermodynamic stability) performed at Invitae indicates that this missense variant is expected to disrupt NDUFV1 protein function. This variant has not been reported in the literature in individuals affected with NDUFV1-related conditions. This variant is not present in population databases (gnomAD no frequency).

Literature cited by the submitters: PubMed 35482246.